The following is an entry in ClinVar:

ClinVar aggregate classification (germline): Uncertain significance. Review status: criteria provided, multiple submitters, no conflicts (2 of 4 stars). 2 submissions from 2 submitters: Uncertain significance (2). Last evaluated 2025-08-05.

Allele frequency attached by ClinVar (database versions not stated): gnomAD exomes 0.00007.
gnomAD v4.1: 111 of 1,601,300 alleles (0.0069%); highest among the groups gnomAD compares: Non-Finnish European, 0.0092%; 1 homozygote.

Submissions (2):

Ambry Genetics
Classification: Uncertain significance. Last evaluated: 2025-08-05. Review status: criteria provided, single submitter. Criteria: Ambry Variant Classification Scheme 2023. Collection method: clinical testing. Allele origin: germline.

Labcorp Genetics (formerly Invitae), Labcorp
Classification: Uncertain significance. Last evaluated: 2024-04-30. Review status: criteria provided, single submitter. Criteria: Invitae Variant Classification Sherloc (09022015). Collection method: clinical testing. Allele origin: germline.
Comment: This sequence change replaces asparagine, which is neutral and polar, with serine, which is neutral and polar, at codon 77 of the NPAT protein (p.Asn77Ser). This variant is present in population databases (no rsID available, gnomAD 0.004%). This variant has not been reported in the literature in individuals affected with NPAT-related conditions. ClinVar contains an entry for this variant (Variation ID: 2496654). An algorithm developed to predict the effect of missense changes on protein structure and function (PolyPhen-2) suggests that this variant is likely to be tolerated. In summary, the available evidence is currently insufficient to determine the role of this variant in disease. Therefore, it has been classified as a Variant of Uncertain Significance.

NM_002519.3(NPAT):c.230A>G (p.Asn77Ser)

Gene: NPAT (nuclear protein, coactivator of histone transcription; minus strand). Cytogenetic location: 11q22.3.
Variant type: single nucleotide variant.
Coding change: c.230A>G on transcript NM_002519.3 (MANE Select); coding-DNA position 230, A replaced by G.
Protein change: p.Asn77Ser; replaces asparagine 77 with serine.
Molecular consequence: missense variant.
Genome position (GRCh38, 1-based): chr11:108,192,178, T>C on the plus strand (A>G on the coding strand, the complement: NPAT is on the minus strand). VCF-style: chr11-108192178-T-C. GRCh37 (hg19) VCF-style: chr11-108062905-T-C.
Other names: c.230A>G, p.Asn77Ser (NM_001321307.1); short protein forms N77S.
Identifiers: ClinVar variation 2496654 (VCV002496654.5), dbSNP rs755534694, ClinGen allele CA382526720.
Genomic context (GRCh38, chr11:108,192,178, plus strand): 5'-CTGATCTGAGAAAGTGTATGGTCCAATTTCTTCCATAGAGATGACATTATTGCTGGGACA[T>C]TATTTGATGTTTCTAAATCATAGGAGAAAAGGTTCTTAATAAACCCAGCTGAAGAAATTT-3'
Protein context (NP_002510.2, residues 67-87): VAMKTKETSN[Asn77Ser]VPAIMSSLWK